The following is an entry in ClinVar:

ClinVar aggregate classification (germline): Likely pathogenic (1 of 4 stars; one submission).

Conditions:
ARMC5-related disorder. Also called: ARMC5-related condition.

Submission:

PreventionGenetics, part of Exact Sciences
Classification: Likely pathogenic for ARMC5-related condition. Last evaluated: 2023-05-23. Review status: criteria provided, single submitter. Criteria: ACMG Guidelines, 2015. Collection method: clinical testing. Allele origin: germline.
Comment: The ARMC5 c.1787delC variant is predicted to result in a frameshift and premature protein termination (p.Pro596Hisfs*43). To our knowledge, this variant has not been reported in the literature or in a large population database, indicating this variant is rare. Frameshift variants in ARMC5 are expected to be pathogenic. This variant is interpreted as likely pathogenic.

NM_001105247.2(ARMC5):c.1502del (p.Pro501fs)

Gene: ARMC5 (armadillo repeat containing 5; plus strand). Cytogenetic location: 16p11.2.
Variant type: Deletion.
Coding change: c.1502del on transcript NM_001105247.2 (MANE Select); coding-DNA position 1502, one base deleted (C; older notation c.1502delC).
Protein change: p.Pro501fs; shifts the reading frame from proline 501.
Molecular consequence: frameshift variant.
Genome position (GRCh38, 1-based): chr16:31,464,525, C deleted; the last of 2 consecutive C bases (chr16:31,464,524-31,464,525); deleting either gives the same sequence. VCF-style (leftmost placement, unchanged base first): chr16-31464523-AC-A. GRCh37 (hg19) VCF-style: chr16-31475844-AC-A.
Other names: c.1787del, p.Pro596fs (NM_001288767.2); c.1598del, p.Pro533fs (NM_001301820.1); c.1502del, p.Pro501fs (NM_024742.2); short protein forms P501fs, P533fs, P596fs.
Identifiers: ClinVar variation 2632699 (VCV002632699.1), dbSNP rs2544859360, ClinGen allele CA2695197640.
Genomic context (GRCh38, chr16:31,464,523, plus strand): 5'-GTGTCCGCCGGAGCCCATGGAGCCGGCCAGCCCCGCCCCGACCCCGACCTCGCTGCGGGC[AC>A]CACGCACCCAACGCACTCCGGGCCGCAGCCCCGCCGCCGCCATCGAGGAGCCTTGGGGAC-3'